The following is an entry in ClinVar:

NM_004006.3(DMD):c.6489T>A (p.Asn2163Lys)

Gene: DMD (dystrophin; minus strand). Cytogenetic location: Xp21.1.
Variant type: single nucleotide variant.
Coding change: c.6489T>A on transcript NM_004006.3 (MANE Select); coding-DNA position 6489, T replaced by A.
Protein change: p.Asn2163Lys; replaces asparagine 2163 with lysine.
Molecular consequence: missense variant. On other transcripts: 5 prime UTR variant (5).
Genome position (GRCh38, 1-based): chrX:31,968,464, A>T on the plus strand (T>A on the coding strand, the complement: DMD is on the minus strand). VCF-style: chrX-31968464-A-T. GRCh37 (hg19) VCF-style: chrX-31986581-A-T.
Other names: c.6465T>A, p.Asn2155Lys (NM_000109.4); c.6477T>A, p.Asn2159Lys (NM_004009.3); c.6120T>A, p.Asn2040Lys (NM_004010.3); c.2466T>A, p.Asn822Lys (NM_004011.4); c.2457T>A, p.Asn819Lys (NM_004012.4); c.-892T>A (NM_004013.3, NM_004020.4, NM_004021.3 and 2 more transcripts); c.6489T>A (NM_004006.2); short protein forms N2040K, N2159K, N822K, N2163K, N2155K, N819K.
Identifiers: ClinVar variation 1484616 (VCV001484616.9), dbSNP rs1057523928, ClinGen allele CA412659734.

ClinVar aggregate classification (germline): Conflicting classifications of pathogenicity. Review status: criteria provided, conflicting classifications (1 of 4 stars). 2 submissions from 2 submitters: Uncertain significance (1); Likely benign (1). Last evaluated 2025-06-05.

Conditions:
Cardiovascular phenotype. Identifiers: MedGen CN230736.
Duchenne muscular dystrophy (DMD). Also called: Duchenne Muscular Dystrophy (DMD); MUSCULAR DYSTROPHY, PSEUDOHYPERTROPHIC PROGRESSIVE, DUCHENNE TYPE. Identifiers: Orphanet 98896, MedGen C0013264, MONDO:0010679, OMIM 310200.

Allele frequency attached by ClinVar (database versions not stated): gnomAD exomes 0.00001.
gnomAD v4.1: 5 of 1,210,754 alleles (0.00041%); highest among the groups gnomAD compares: Non-Finnish European, 0.00056%; no homozygotes.

Submissions (2):

Ambry Genetics
Classification: Likely benign for Cardiovascular phenotype. Last evaluated: 2025-06-05. Review status: criteria provided, single submitter. Criteria: Ambry Variant Classification Scheme 2023. Collection method: clinical testing. Allele origin: germline.

Labcorp Genetics (formerly Invitae), Labcorp
Classification: Uncertain significance for Duchenne muscular dystrophy. Last evaluated: 2022-03-23. Review status: criteria provided, single submitter. Criteria: Invitae Variant Classification Sherloc (09022015). Collection method: clinical testing. Allele origin: germline.
Comment: In summary, the available evidence is currently insufficient to determine the role of this variant in disease. Therefore, it has been classified as a Variant of Uncertain Significance. Algorithms developed to predict the effect of missense changes on protein structure and function are either unavailable or do not agree on the potential impact of this missense change (SIFT: "Tolerated"; PolyPhen-2: "Possibly Damaging"; Align-GVGD: "Class C0"). This variant has not been reported in the literature in individuals affected with DMD-related conditions. This variant is not present in population databases (gnomAD no frequency). This sequence change replaces asparagine, which is neutral and polar, with lysine, which is basic and polar, at codon 2163 of the DMD protein (p.Asn2163Lys).